The following is an entry in ClinVar:

ClinVar aggregate classification (germline): Uncertain significance (1 of 4 stars; one submission).

Submission:

Labcorp Genetics (formerly Invitae), Labcorp
Classification: Uncertain significance. Last evaluated: 2025-01-29. Review status: criteria provided, single submitter. Criteria: Invitae Variant Classification Sherloc (09022015). Collection method: clinical testing. Allele origin: germline.
Comment: This variant, c.402_407del, results in the deletion of 2 amino acid(s) of the MBTPS2 protein (p.Ser135_Ser136del), but otherwise preserves the integrity of the reading frame. This variant is present in population databases (rs766857614, gnomAD 0.03%). This variant has not been reported in the literature in individuals affected with MBTPS2-related conditions. Experimental studies and prediction algorithms are not available or were not evaluated, and the functional significance of this variant is currently unknown. In summary, the available evidence is currently insufficient to determine the role of this variant in disease. Therefore, it has been classified as a Variant of Uncertain Significance.

NM_015884.4(MBTPS2):c.396TTCCTC[1] (p.Ser135_Ser136del)

Gene: MBTPS2 (membrane bound transcription factor peptidase, site 2; plus strand). Cytogenetic location: Xp22.12.
Variant type: Microsatellite.
Coding change: c.396TTCCTC[1] on transcript NM_015884.4 (MANE Select); one copy of the 6-base unit TTCCTC starting at c.396; the reference has two copies in a row; one copy, 6 bases deleted.
Protein change: p.Ser135_Ser136del.
Molecular consequence: inframe deletion.
Genome position (GRCh38, 1-based): chrX:21,845,348-21,845,353, TTCCTC deleted; deleting any 6 consecutive bases within chrX:21,845,340-21,845,353 gives the same sequence; the position shown is the placement nearest the transcript's 3' end. VCF-style (leftmost placement, unchanged base first): chrX-21845339-TTCTTCC-T. GRCh37 (hg19) VCF-style: chrX-21863457-TTCTTCC-T.
Identifiers: ClinVar variation 1923762 (VCV001923762.5), dbSNP rs766857614, ClinGen allele CA10367347.